The following is an entry in ClinVar:

ClinVar aggregate classification (germline): Uncertain significance (1 of 4 stars; one submission).

Allele frequency attached by ClinVar (database versions not stated): gnomAD exomes 0.00001; ExAC 0.00002; TOPMed 0.00002.
gnomAD v4.1: 10 of 1,613,626 alleles (0.00062%); highest among the groups gnomAD compares: Admixed American, 0.0067%; no homozygotes.

Submission:

Labcorp Genetics (formerly Invitae), Labcorp
Classification: Uncertain significance. Last evaluated: 2024-01-02. Review status: criteria provided, single submitter. Criteria: Invitae Variant Classification Sherloc (09022015). Collection method: clinical testing. Allele origin: germline.
Comment: This sequence change replaces tyrosine, which is neutral and polar, with cysteine, which is neutral and slightly polar, at codon 59 of the SLC25A3 protein (p.Tyr59Cys). This variant is present in population databases (rs776939388, gnomAD 0.006%). This variant has not been reported in the literature in individuals affected with SLC25A3-related conditions. ClinVar contains an entry for this variant (Variation ID: 1941337). An algorithm developed to predict the effect of missense changes on protein structure and function (PolyPhen-2) suggests that this variant is likely to be disruptive. In summary, the available evidence is currently insufficient to determine the role of this variant in disease. Therefore, it has been classified as a Variant of Uncertain Significance.

NM_005888.4(SLC25A3):c.176A>G (p.Tyr59Cys)

Gene: SLC25A3 (solute carrier family 25 member 3; plus strand). Cytogenetic location: 12q23.1.
Variant type: single nucleotide variant.
Coding change: c.176A>G on transcript NM_005888.4 (MANE Plus Clinical); coding-DNA position 176, A replaced by G.
Protein change: p.Tyr59Cys; replaces tyrosine 59 with cysteine.
Molecular consequence: missense variant. On other transcripts: intron variant (2).
Genome position (GRCh38, 1-based): chr12:98,595,451, A>G. VCF-style: chr12-98595451-A-G. GRCh37 (hg19) VCF-style: chr12-98989229-A-G.
Other names: c.158-276A>G (NM_213611.3, NM_002635.4); short protein forms Y59C.
Identifiers: ClinVar variation 1941337 (VCV001941337.5), dbSNP rs776939388, ClinGen allele CA6732856.
Genomic context (GRCh38, chr12:98,595,451, plus strand): 5'-TGAAGAAATACTTACTTGATTTTTTTTTTTCCAATCAAACAGAGCAGTATAGCTGTGACT[A>G]TGGATCTGGCAGATTCTTTATCCTTTGTGGACTTGGAGGAATTATTAGCTGTGGCACAAC-3'
Protein context (NP_005879.1, residues 49-69): AAVEEQYSCD[Tyr59Cys]GSGRFFILCG